The following is an entry in ClinVar:

NM_017739.4(POMGNT1):c.1605-1G>C

Genes: POMGNT1 (protein O-linked mannose N-acetylglucosaminyltransferase 1 (beta 1,2-); minus strand), TSPAN1 (tetraspanin 1; plus strand). Cytogenetic location: 1p34.1.
Variant type: single nucleotide variant.
Coding change: c.1605-1G>C on transcript NM_017739.4 (MANE Select); the canonical splice acceptor site of the intron before coding-DNA position 1605, G replaced by C.
Molecular consequence: splice acceptor variant.
Genome position (GRCh38, 1-based): chr1:46,190,518, C>G on the plus strand (G>C on the coding strand, the complement: POMGNT1 is on the minus strand). VCF-style: chr1-46190518-C-G. GRCh37 (hg19) VCF-style: chr1-46656190-C-G.
Other names: c.1605-1G>C (NM_001243766.2, NM_001438686.1, NM_001438688.1 and 3 more transcripts); c.1539-1G>C (NM_001290129.3, NM_001438691.1, NM_001438692.1); c.1176-1G>C (NM_001290130.2).
Identifiers: ClinVar variation 554879 (VCV000554879.7), dbSNP rs770219373, ClinGen allele CA340171852.

ClinVar aggregate classification (germline): Likely pathogenic. Review status: criteria provided, multiple submitters, no conflicts (2 of 4 stars). 4 submissions from 4 submitters: Likely pathogenic (3). 1 of the submissions does not count toward it. Last evaluated 2025-08-21.

Conditions:
Muscular dystrophy-dystroglycanopathy (congenital with brain and eye anomalies), type A3. Also called: Congenital muscular dystrophy-dystroglycanopathy with brain and eye anomalies, type A3; Muscular dystrophy-dystroglycanopathy (congenital with brain and eye anomalies), type A, 3; WALKER-WARBURG SYNDROME OR MUSCLE-EYE-BRAIN DISEASE, POMGNT1-RELATED. Identifiers: MedGen C3151519, MONDO:0009667, OMIM 253280.
Muscle eye brain disease (MEB). Also called: Santavuori congenital muscular dystrophy. Identifiers: Orphanet 588, Orphanet 899, MedGen C0457133, MONDO:0018939.
Muscular dystrophy-dystroglycanopathy (congenital with impaired intellectual development), type B, 3. Also called: Muscular dystrophy-dystroglycanopathy (congenital with intellectual disability), type B3; MUSCULAR DYSTROPHY, CONGENITAL, POMGNT1-RELATED. Identifiers: MedGen C3150412, MONDO:0013155, OMIM 613151.
Autosomal recessive limb-girdle muscular dystrophy type 2O. Also called: Limb-Girdle Muscular Dystrophy Type 3C; MUSCULAR DYSTROPHY-DYSTROGLYCANOPATHY (LIMB-GIRDLE), TYPE C, 3; MUSCULAR DYSTROPHY-DYSTROGLYCANOPATHY, LIMB-GIRDLE, POMGNT1-RELATED. Identifiers: Orphanet 206564, MedGen C3150417, MONDO:0013161, OMIM 613157.

Allele frequency attached by ClinVar (database versions not stated): gnomAD 0.00001; TOPMed below 0.00001.

Submissions (4):

Natera, Inc.
Classification: Likely pathogenic for Muscle-eye-brain disease. Last evaluated: 2025-08-21. Review status: criteria provided, single submitter. Criteria: Natera Variant Classification Schema (03/2026). Collection method: clinical testing. Allele origin: germline.
Comment: The c.1605-1G>C variant in POMGNT1 is a canonical splice acceptor site variant predicted to affect pre-mRNA splicing, which may result in an abnormal transcript and altered protein product. This variant is expected to result in nonsense mediated decay, truncation, or a dysfunctional protein product. This variant is rare in the general population with a frequency below the threshold expected for the associated phenotype(s). Given the available evidence, this variant is classified as Likely Pathogenic.

Labcorp Genetics (formerly Invitae), Labcorp
Classification: Likely pathogenic for Autosomal recessive limb-girdle muscular dystrophy type 2O; Muscular dystrophy-dystroglycanopathy (congenital with impaired intellectual development), type B, 3. Last evaluated: 2024-10-05. Review status: criteria provided, single submitter. Criteria: Invitae Variant Classification Sherloc (09022015). Collection method: clinical testing. Allele origin: germline.
Comment: This sequence change affects an acceptor splice site in intron 18 of the POMGNT1 gene. It is expected to disrupt RNA splicing. Variants that disrupt the donor or acceptor splice site typically lead to a loss of protein function (PMID: 16199547), and loss-of-function variants in POMGNT1 are known to be pathogenic (PMID: 19299310, 20816175, 21447391, 26908613, 27391550). This variant is not present in population databases (gnomAD no frequency). This variant has not been reported in the literature in individuals affected with POMGNT1-related conditions. ClinVar contains an entry for this variant (Variation ID: 554879). Algorithms developed to predict the effect of sequence changes on RNA splicing suggest that this variant may disrupt the consensus splice site. In summary, the currently available evidence indicates that the variant is pathogenic, but additional data are needed to prove that conclusively. Therefore, this variant has been classified as Likely Pathogenic.

Baylor Genetics
Classification: Likely pathogenic for Muscular dystrophy-dystroglycanopathy (congenital with brain and eye anomalies), type A3. Last evaluated: 2022-06-17. Review status: criteria provided, single submitter. Criteria: ACMG Guidelines, 2015. Collection method: clinical testing. Allele origin: unknown.

Counsyl
Classification: Likely pathogenic for Muscular dystrophy-dystroglycanopathy (congenital with brain and eye anomalies), type A3. Last evaluated: 2017-11-08. Review status: no assertion criteria provided. Collection method: clinical testing. Allele origin: unknown. Not counted in ClinVar's aggregate classification.

Literature cited by the submitters: PubMed 16199547 (cited by Labcorp Genetics (formerly Invitae), Labcorp); PubMed 19299310 (cited by Labcorp Genetics (formerly Invitae), Labcorp); PubMed 20816175 (cited by Labcorp Genetics (formerly Invitae), Labcorp); PubMed 21447391 (cited by Labcorp Genetics (formerly Invitae), Labcorp); PubMed 26908613 (cited by Labcorp Genetics (formerly Invitae), Labcorp); PubMed 27391550 (cited by Labcorp Genetics (formerly Invitae), Labcorp).